The following is an entry in ClinVar:

NM_001069.3(TUBB2A):c.826C>T (p.Arg276Trp)

Gene: TUBB2A (tubulin beta 2A class IIa; minus strand). Cytogenetic location: 6p25.2.
Variant type: single nucleotide variant.
Coding change: c.826C>T on transcript NM_001069.3 (MANE Select); coding-DNA position 826, C replaced by T.
Protein change: p.Arg276Trp; replaces arginine 276 with tryptophan.
Molecular consequence: missense variant.
Genome position (GRCh38, 1-based): chr6:3,154,375, G>A on the plus strand (C>T on the coding strand, the complement: TUBB2A is on the minus strand). VCF-style: chr6-3154375-G-A. GRCh37 (hg19) VCF-style: chr6-3154609-G-A.
Other names: c.571C>T, p.Arg191Trp (NM_001310315.2); c.826C>T (NM_001069.2); short protein forms R191W, R276W.
Identifiers: ClinVar variation 1513841 (VCV001513841.7), dbSNP rs1762596969, ClinGen allele CA362591877.
Genomic context (GRCh38, chr6:3,154,375, plus strand): 5'-AGTCGAACATCTGCTGGGTGAGCTCGGGCACCGTGAGCGCCCGGTACTGCTGGCTGCCCC[G>A]GCTGGTCAGGGGCGCGAAGCCGGGCATGAAGAAGTGCAGGCGAGGGAAGGGCACCATGTT-3'
Protein context (NP_001060.1, residues 266-286): FMPGFAPLTS[Arg276Trp]GSQQYRALTV

ClinVar aggregate classification (germline): Uncertain significance. Review status: criteria provided, multiple submitters, no conflicts (2 of 4 stars). 2 submissions from 2 submitters: Uncertain significance (2). Last evaluated 2026-03-26.

Conditions:
Inborn genetic diseases. Identifiers: MedGen C0950123, MeSH D030342.

Allele frequency attached by ClinVar (database versions not stated): gnomAD exomes below 0.00001; gnomAD 0.00001.

Submissions (2):

Ambry Genetics
Classification: Uncertain significance for Inborn genetic diseases. Last evaluated: 2026-03-26. Review status: criteria provided, single submitter. Criteria: Ambry Variant Classification Scheme 2023. Collection method: clinical testing. Allele origin: germline.

Labcorp Genetics (formerly Invitae), Labcorp
Classification: Uncertain significance. Last evaluated: 2021-08-15. Review status: criteria provided, single submitter. Criteria: Invitae Variant Classification Sherloc (09022015). Collection method: clinical testing. Allele origin: germline.
Comment: This variant has not been reported in the literature in individuals affected with TUBB2A-related conditions. The frequency data for this variant in the population databases is considered unreliable, as metrics indicate insufficient coverage at this position in the ExAC database. This sequence change replaces arginine with tryptophan at codon 276 of the TUBB2A protein (p.Arg276Trp). The arginine residue is moderately conserved and there is a moderate physicochemical difference between arginine and tryptophan. Advanced modeling of protein sequence and biophysical properties (such as structural, functional, and spatial information, amino acid conservation, physicochemical variation, residue mobility, and thermodynamic stability) performed at Invitae indicates that this missense variant is expected to disrupt TUBB2A protein function. In summary, the available evidence is currently insufficient to determine the role of this variant in disease. Therefore, it has been classified as a Variant of Uncertain Significance.